The following is an entry in ClinVar:

ClinVar aggregate classification (germline): Likely benign (1 of 4 stars; one submission).

Submission:

Women's Health and Genetics/Laboratory Corporation of America, LabCorp
Classification: Likely benign. Last evaluated: 2026-01-13. Review status: criteria provided, single submitter. Criteria: LabCorp Variant Classification Summary - May 2015. Collection method: clinical testing. Allele origin: germline.
Comment: Variant summary: SCN8A c.2545-16_2545-15insA alters a nucleotide located at a position not widely known to affect splicing. Consensus agreement among computation tools predict no significant impact on normal splicing. However, these predictions have yet to be confirmed by functional studies. The frequency data for this variant in gnomAD is considered unreliable, as metrics indicate poor data quality at this position. To our knowledge, no occurrence of c.2545-16_2545-15insA in individuals affected with SCN8A-related conditions and no experimental evidence demonstrating its impact on protein function have been reported. No submitters have cited clinical-significance assessments for this variant to ClinVar. Based on the evidence outlined above, the variant was classified as likely benign.

NM_001330260.2(SCN8A):c.2545-16_2545-15insA

Gene: SCN8A (sodium voltage-gated channel alpha subunit 8; plus strand). Cytogenetic location: 12q13.13.
Variant type: Insertion.
Coding change: c.2545-16_2545-15insA on transcript NM_001330260.2 (MANE Select); 16 bases into the intron before coding-DNA position 2545 through 15 bases into the intron before coding-DNA position 2545, A inserted.
Molecular consequence: intron variant.
Genome position: GRCh38 VCF-style: chr12-51765655-T-TA. GRCh37 (hg19) VCF-style: chr12-52159439-T-TA.
Other names: c.2545-16_2545-15insA (NM_014191.4, NM_001177984.3, NM_001369788.1).
Identifiers: ClinVar variation 4689448 (VCV004689448.1).
Genomic context (GRCh38, chr12:51,765,655, plus strand): 5'-TTTTTATTTTAGCCATGTGGTGAGAAAATTGATTGAGTATCATTTATTTTTTTGTTTGGG[T>TA]TTTTTTTTTCCTTAGCTCCGAGTCTTCAAATTGGCCAAATCCTGGCCCACCCTGAACATG-3'